The following is an entry in ClinVar:

ClinVar aggregate classification (germline): Uncertain significance (1 of 4 stars; one submission).

Submission:

Labcorp Genetics (formerly Invitae), Labcorp
Classification: Uncertain significance. Last evaluated: 2023-08-04. Review status: criteria provided, single submitter. Criteria: Invitae Variant Classification Sherloc (09022015). Collection method: clinical testing. Allele origin: germline.
Comment: This variant, c.13142_13144del, results in the deletion of 1 amino acid(s) of the DNAH9 protein (p.Thr4381del), but otherwise preserves the integrity of the reading frame. This variant is not present in population databases (gnomAD no frequency). This variant has not been reported in the literature in individuals affected with DNAH9-related conditions. ClinVar contains an entry for this variant (Variation ID: 1979534). Experimental studies and prediction algorithms are not available or were not evaluated, and the functional significance of this variant is currently unknown. In summary, the available evidence is currently insufficient to determine the role of this variant in disease. Therefore, it has been classified as a Variant of Uncertain Significance.

NM_001372.4(DNAH9):c.13142_13144del (p.Thr4381del)

Gene: DNAH9 (dynein axonemal heavy chain 9; plus strand). Cytogenetic location: 17p12.
Variant type: Deletion.
Coding change: c.13142_13144del on transcript NM_001372.4 (MANE Select); coding-DNA positions 13142 to 13144, 3 bases deleted (CGA; older notation c.13142_13144delCGA).
Protein change: p.Thr4381del; deletes threonine 4381.
Molecular consequence: inframe deletion.
Genome position (GRCh38, 1-based): chr17:11,962,165-11,962,167, CGA deleted; deleting any 3 consecutive bases within chr17:11,962,163-11,962,167 gives the same sequence; the c. name uses the placement nearest the transcript's 3' end. VCF-style (leftmost placement, unchanged base first): chr17-11962162-TGAC-T. GRCh37 (hg19) VCF-style: chr17-11865479-TGAC-T.
Other names: c.2078_2080del, p.Thr693del (NM_004662.2); short protein forms T693del, T4381del.
Identifiers: ClinVar variation 1979534 (VCV001979534.3), dbSNP rs1343733976, ClinGen allele CA726107173.